The following is an entry in ClinVar:

ClinVar aggregate classification (germline): Uncertain significance. Review status: criteria provided, multiple submitters, no conflicts (2 of 4 stars). 2 submissions from 2 submitters: Uncertain significance (2). Last evaluated 2025-06-29.

Conditions:
Autosomal recessive severe congenital neutropenia due to G6PC3 deficiency. Also called: NEUTROPENIA, SEVERE CONGENITAL, 4, AUTOSOMAL RECESSIVE; G6PC3 Deficiency. Identifiers: Orphanet 331176, MedGen C2751630, MONDO:0012930, OMIM 612541.

Allele frequency attached by ClinVar (database versions not stated): gnomAD exomes below 0.00001; ExAC 0.00001.

Submissions (2):

Labcorp Genetics (formerly Invitae), Labcorp
Classification: Uncertain significance for Autosomal recessive severe congenital neutropenia due to G6PC3 deficiency. Last evaluated: 2025-06-29. Review status: criteria provided, single submitter. Criteria: Invitae Variant Classification Sherloc (09022015). Collection method: clinical testing. Allele origin: germline.
Comment: This sequence change replaces tryptophan, which is neutral and slightly polar, with arginine, which is basic and polar, at codon 59 of the G6PC3 protein (p.Trp59Arg). The frequency data for this variant in the population databases is considered unreliable, as metrics indicate poor data quality at this position in the gnomAD database. This missense change has been observed in individuals with Dursun syndrome and congenital neutropenia (PMID: 24549407, 24750412). ClinVar contains an entry for this variant (Variation ID: 853860). Invitae Evidence Modeling of protein sequence and biophysical properties (such as structural, functional, and spatial information, amino acid conservation, physicochemical variation, residue mobility, and thermodynamic stability) indicates that this missense variant is expected to disrupt G6PC3 protein function with a positive predictive value of 95%. In summary, the available evidence is currently insufficient to determine the role of this variant in disease. Therefore, it has been classified as a Variant of Uncertain Significance.

Women's Health and Genetics/Laboratory Corporation of America, LabCorp
Classification: Uncertain significance. Last evaluated: 2024-05-09. Review status: criteria provided, single submitter. Criteria: LabCorp Variant Classification Summary - May 2015. Collection method: clinical testing. Allele origin: germline.
Comment: Variant summary: G6PC3 c.175T>C (p.Trp59Arg) results in a non-conservative amino acid change located in the Phosphatidic acid phosphatase type 2/haloperoxidase domain (IPR000326) of the encoded protein sequence. Five of five in-silico tools predict a damaging effect of the variant on protein function. The frequency data for this variant in gnomAD is considered unreliable, as metrics indicate poor data quality at this position. c.175T>C has been reported in the literature in at least one individual affected with autosomal recessive severe congenital neutropenia due to G6PC3 deficiency (e.g. Arikoglu_2014, Cetinkaya_2020). These data indicate that the variant may be associated with disease. To our knowledge, no experimental evidence demonstrating an impact on protein function has been reported. The following publications have been ascertained in the context of this evaluation (PMID: 24750412, 32623377). ClinVar contains an entry for this variant (Variation ID: 853860). Based on the evidence outlined above, the variant was classified as VUS-possibly pathogenic.

Literature cited by the submitters: PubMed 24549407 (cited by Labcorp Genetics (formerly Invitae), Labcorp); PubMed 24750412 (cited by Labcorp Genetics (formerly Invitae), Labcorp and Women's Health and Genetics/Laboratory Corporation of America, LabCorp); PubMed 32623377 (cited by Women's Health and Genetics/Laboratory Corporation of America, LabCorp).

NM_138387.4(G6PC3):c.175T>C (p.Trp59Arg)

Genes: G6PC3 (glucose-6-phosphatase catalytic subunit 3; plus strand), LOC130060959 (ATAC-STARR-seq lymphoblastoid active region 12250; plus strand). Cytogenetic location: 17q21.31.
Variant type: single nucleotide variant.
Coding change: c.175T>C on transcript NM_138387.4 (MANE Select); coding-DNA position 175, T replaced by C.
Protein change: p.Trp59Arg; replaces tryptophan 59 with arginine.
Molecular consequence: missense variant. On other transcripts: 5 prime UTR variant (3), intron variant (1).
Genome position (GRCh38, 1-based): chr17:44,071,140, T>C. VCF-style: chr17-44071140-T-C. GRCh37 (hg19) VCF-style: chr17-42148508-T-C.
Other names: c.175T>C, p.Trp59Arg (NM_001319945.2); c.-230T>C (NM_001384165.1); c.-365T>C (NM_001384166.1); c.-355T>C (NM_001384167.1); c.-312+426T>C (NM_001384168.1); short protein forms W59R.
Identifiers: ClinVar variation 853860 (VCV000853860.11), dbSNP rs752966267, ClinGen allele CA8595896.